The following is an entry in ClinVar:

ClinVar aggregate classification (germline): Benign/Likely benign. Review status: criteria provided, multiple submitters, no conflicts (2 of 4 stars). 5 submissions from 5 submitters: Benign (2); Likely benign (3). Last evaluated 2026-01-19.

Conditions:
Batten-Turner congenital myopathy. Also called: Myotonia congenita; Congenital myotonia. Identifiers: Orphanet 206973, MedGen C0027127, MONDO:0100468, OMIM 255300.
Congenital myotonia, autosomal recessive form. Also called: Becker Generalized Myotonia; BECKER DISEASE; myotonia congenita, autosomal recessive. Identifiers: Orphanet 614, MedGen C0751360, MONDO:0009715, OMIM 255700.
Congenital myotonia, autosomal dominant form (THD). Also called: THOMSEN DISEASE; Myotonia congenita autosomal dominant. Identifiers: Orphanet 614, MedGen C2936781, MONDO:0008055, OMIM 160800.

Allele frequency attached by ClinVar (database versions not stated): gnomAD exomes 0.00020 and 0.00037; ExAC 0.00040; gnomAD 0.00078 and 0.00087; 1000 Genomes Project 30x 0.00094; 1000 Genomes Project 0.00100; ESP Exome Variant Server 0.00108; TOPMed 0.00116.
gnomAD v4.1: 428 of 1,614,166 alleles (0.027%); highest among the groups gnomAD compares: African/African-American, 0.27%; 1 homozygote.

Submissions (5):

Labcorp Genetics (formerly Invitae), Labcorp
Classification: Benign for Congenital myotonia, autosomal recessive form; Congenital myotonia, autosomal dominant form. Last evaluated: 2026-01-19. Review status: criteria provided, single submitter. Criteria: Invitae Variant Classification Sherloc (09022015). Collection method: clinical testing. Allele origin: germline.

Blueprint Genetics
Classification: Likely benign. Last evaluated: 2024-09-23. Review status: criteria provided, single submitter. Criteria: ACMG Guidelines, 2015. Collection method: clinical testing. Allele origin: germline.

CeGaT Center for Human Genetics Tuebingen
Classification: Likely benign. Last evaluated: 2022-06-01. Review status: criteria provided, single submitter. Criteria: CeGaT Center For Human Genetics Tuebingen Variant Classification Criteria Version 2. Collection method: clinical testing. Allele origin: germline. Affected: yes. Observed: 1 variant allele.
Comment: CLCN1: BP4, BP7

GeneDx
Classification: Likely benign. Last evaluated: 2021-06-03. Review status: criteria provided, single submitter. Criteria: GeneDx Variant Classification Process June 2021. Collection method: clinical testing. Allele origin: germline. Affected: yes.

Illumina Laboratory Services, Illumina
Classification: Benign for Myotonia congenita. Last evaluated: 2018-01-12. Review status: criteria provided, single submitter. Criteria: ICSL Variant Classification Criteria 13 December 2019. Collection method: clinical testing. Allele origin: germline.
Comment: This variant was observed in the ICSL laboratory as part of a predisposition screen in an ostensibly healthy population. It had not been previously curated by ICSL or reported in the Human Gene Mutation Database (HGMD: prior to June 1st, 2018), and was therefore a candidate for classification through an automated scoring system. Utilizing variant allele frequency, disease prevalence and penetrance estimates, and inheritance mode, an automated score was calculated to assess if this variant is too frequent to cause the disease. Based on the score and internal cut-off values, a variant classified as benign is not then subjected to further curation. The score for this variant resulted in a classification of benign for this disease.

NM_000083.3(CLCN1):c.1815T>C (p.Val605=)

Gene: CLCN1 (chloride voltage-gated channel 1; plus strand). Cytogenetic location: 7q34.
Variant type: single nucleotide variant.
Coding change: c.1815T>C on transcript NM_000083.3 (MANE Select); coding-DNA position 1815, T replaced by C.
Protein change: p.Val605=; no amino-acid change (valine 605 retained).
Molecular consequence: synonymous variant. On other transcripts: non-coding transcript variant (1).
Genome position (GRCh38, 1-based): chr7:143,342,390, T>C. VCF-style: chr7-143342390-T-C. GRCh37 (hg19) VCF-style: chr7-143039483-T-C.
Identifiers: ClinVar variation 392559 (VCV000392559.77), dbSNP rs141945240, ClinGen allele CA4537493.
Genomic context (GRCh38, chr7:143,342,390, plus strand): 5'-GTATACGGTGGGGCTAACCCACCATGCTTTCTCCCTCCATAGCAAATATACCATCTTTGT[T>C]GAGGACATCATGGTACGTGATGTGAAGTTTGTTTCAGCTTCTTACACATATGGGGAGTTG-3'
Protein context (NP_000074.3, residues 595-615): WNQLSKYTIF[Val605=]EDIMVRDVKF